The following is an entry in ClinVar:

ClinVar aggregate classification (germline): Pathogenic/Likely pathogenic. Review status: criteria provided, multiple submitters, no conflicts (2 of 4 stars). 9 submissions from 9 submitters: Pathogenic (6); Likely pathogenic (2). 1 of the submissions does not count toward it. Last evaluated 2025-12-10.

Conditions:
C8B-related disorders.
C8B-related disorder. Also called: C8B-related condition.
Type II complement component 8 deficiency. Also called: C8 BETA DEFICIENCY; C8B DEFICIENCY; COMPLEMENT COMPONENT 8B DEFICIENCY; COMPLEMENT C8 DEFICIENCY, TYPE II. Identifiers: MedGen C3151080, MONDO:0013421, OMIM 613789.
Complement component 6 deficiency (C6D). Also called: C6 DEFICIENCY. Identifiers: MedGen C2676232, MONDO:0012908, OMIM 612446.

Allele frequency attached by ClinVar (database versions not stated): ExAC 0.00007; ESP Exome Variant Server 0.00008; gnomAD exomes 0.00012 and 0.00036; TOPMed 0.00014; gnomAD 0.00022 and 0.00023.
gnomAD v4.1: 545 of 1,613,994 alleles (0.034%); highest among the groups gnomAD compares: Non-Finnish European, 0.044%; no homozygotes.

Submissions (9):

Labcorp Genetics (formerly Invitae), Labcorp
Classification: Pathogenic. Last evaluated: 2025-12-10. Review status: criteria provided, single submitter. Criteria: Invitae Variant Classification Sherloc (09022015). Collection method: clinical testing. Allele origin: germline.
Comment: This sequence change creates a premature translational stop signal (p.Gln91*) in the C8B gene. It is expected to result in an absent or disrupted protein product. Loss-of-function variants in C8B are known to be pathogenic (PMID: 7594510). This variant is present in population databases (rs146187042, gnomAD 0.02%). This premature translational stop signal has been observed in individuals with complement C8b deficiency (PMID: 7594510, 14767900, 19434484). This variant is also known as 298C>T. ClinVar contains an entry for this variant (Variation ID: 35594). Algorithms developed to predict the effect of sequence changes on RNA splicing suggest that this variant may disrupt the consensus splice site. For these reasons, this variant has been classified as Pathogenic.

PreventionGenetics, part of Exact Sciences
Classification: Pathogenic for C8B-related condition. Last evaluated: 2024-12-31. Review status: criteria provided, single submitter. Criteria: ACMG Guidelines, 2015. Collection method: clinical testing. Allele origin: germline.
Comment: The C8B c.271C>T variant is predicted to result in premature protein termination (p.Gln91*). This variant was reported in the compound heterozygous state with another C8B frameshift variant an individual with complement C8b deficiency (Arnold et al. 2009. PubMed ID: 19434484). It was also reported in the heterozygous state in an individual with a terminal complement pathway deficiency, although no additional genetic evidence was provided for the reported patient (see Figure 2 and Supplementary Table 1 for Rosain et al.2017. PubMed ID: 28368462). This variant is reported in 0.024% of alleles in individuals of European (Non-Finnish) descent in gnomAD. Nonsense variants in C8B are expected to be pathogenic. In summary, this variant is interpreted as pathogenic.

Blueprint Genetics
Classification: Pathogenic for C8B-related disorders. Last evaluated: 2024-11-15. Review status: criteria provided, single submitter. Criteria: ACMG Guidelines, 2015. Collection method: clinical testing. Allele origin: germline. Affected: yes. Observed: 5 variant alleles.

Victorian Clinical Genetics Services, Murdoch Childrens Research Institute
Classification: Pathogenic for Type II complement component 8 deficiency. Last evaluated: 2024-10-10. Review status: criteria provided, single submitter. Criteria: ACMG Guidelines, 2015. Collection method: clinical testing. Allele origin: germline. Inheritance: Autosomal recessive inheritance. Affected: yes.
Comment: Based on the classification scheme VCGS_Germline_v1.3.5, this variant is classified as Pathogenic. Following criteria are met: 0102 - Loss of function is a known mechanism of disease in this gene and is associated with C8 deficiency, type II (MIM#613789). (I) 0106 - This gene is associated with autosomal recessive disease. (I) 0201 - Variant is predicted to cause nonsense-mediated decay (NMD) and loss of protein (premature termination codon is located at least 54 nucleotides upstream of the final exon-exon junction). (SP) 0252 - This variant is homozygous. (I) 0304 - Variant is present in gnomAD (v4) <0.01 for a recessive condition (545 heterozygotes, 0 homozygotes). (SP) 0701 - Other NMD-predicted nonsense variants comparable to the one identified in this case have very strong previous evidence for pathogenicity (DECIPHER). (SP) 0801 - This variant has strong previous evidence of pathogenicity in unrelated individuals. This variant has been reported four times as pathogenic and twice as likely pathogenic by clinical laboratories in ClinVar. In the literature, this variant was observed in a compound heterozygous individual with C8 deficiency (PMID: 19434484). (SP) 1208 - Inheritance information for this variant is not currently available in this individual. (I) Legend: (SP) - Supporting pathogenic, (I) - Information, (SB) - Supporting benign

GeneDx
Classification: Pathogenic. Last evaluated: 2022-12-05. Review status: criteria provided, single submitter. Criteria: GeneDx Variant Classification Process June 2021. Collection method: clinical testing. Allele origin: germline. Affected: yes.
Comment: Nonsense variant predicted to result in protein truncation or nonsense mediated decay in a gene for which loss-of-function is a known mechanism of disease; This variant is associated with the following publications: (PMID: 7594510, 25525159, 14767900, 30609409, 19434484, 31980526, 34285166, 28368462)

Fulgent Genetics
Classification: Likely pathogenic for Type II complement component 8 deficiency. Last evaluated: 2022-04-29. Review status: criteria provided, single submitter. Criteria: ACMG Guidelines, 2015. Collection method: clinical testing. Allele origin: unknown.

AiLife Diagnostics
Classification: Likely pathogenic. Last evaluated: 2022-03-08. Review status: criteria provided, single submitter. Criteria: ACMG Guidelines, 2015. Collection method: clinical testing. Allele origin: germline. Affected: yes. Observed: 1 variant allele.

Laboratory for Molecular Medicine, Mass General Brigham Personalized Medicine
Classification: Pathogenic for Complement component 6 deficiency. Last evaluated: 2017-09-27. Review status: criteria provided, single submitter. Criteria: LMM Criteria. Collection method: clinical testing. Allele origin: germline. Inheritance: Autosomal recessive inheritance. Observed: 1 variant allele.
Comment: The p.Gln91X (NM_000066.2 c.271C>T)(legacy p.Gln37Term) variant in C8B has been previously reported in 3 compound heterozygous individuals with complement C8b d eficiency, and susceptibility to recurrent neisserial infections, predominantly with meningococcus infection of rare serotypes (Arnold 2009, Rao 2004 and Sauced o 1995). This variant also segregated in 3 siblings from 1 family (Saucedo 1995) . Patient serum testing for C8B activity of the p.GlnX variant report an impact to protein activity (Saucedo 1995), however no truncated protein was detected by in vitro functional studies, suggesting the variant confers protein instability or the transcripts are degraded via nonsense mediated decay (Arnold 1999). This variant has been identified in 28/126,486 of European chromosomes by the Genome Aggregation Database (gnomAD; dbSNP rs1461870 42). Although this variant has been seen in the general population, its frequenc y is low enough to be consistent with a recessive carrier frequency. Biallelic l oss of function of the C8B gene has been associated with complement C8b deficien cy. In summary, the p.Gln91X variant is pathogenic for complement C8b deficiency in an autosomal recessive manner based on protein studies, biallelic occurrence in individuals with this disease and segregation data.

OMIM
Classification: Pathogenic for COMPLEMENT C8 DEFICIENCY, TYPE II. Last evaluated: 2009-09-01. Review status: no assertion criteria provided. Collection method: literature only. Allele origin: germline. Not counted in ClinVar's aggregate classification.

Literature cited by the submitters: PubMed 7594510 (cited by 4 submitters); PubMed 14767900 (cited by 4 submitters); PubMed 19434484 (cited by 4 submitters); PubMed 30609409 (cited by AiLife Diagnostics); PubMed 31980526 (cited by AiLife Diagnostics); PubMed 28368462 (cited by AiLife Diagnostics); PubMed 25525159 (cited by AiLife Diagnostics).

NM_000066.4(C8B):c.271C>T (p.Gln91Ter)

Gene: C8B (complement C8 beta chain; minus strand). Cytogenetic location: 1p32.2.
Variant type: single nucleotide variant.
Coding change: c.271C>T on transcript NM_000066.4 (MANE Select); coding-DNA position 271, C replaced by T.
Protein change: p.Gln91Ter; replaces glutamine 91 with a stop codon.
Molecular consequence: nonsense.
Genome position (GRCh38, 1-based): chr1:56,956,889, G>A on the plus strand (C>T on the coding strand, the complement: C8B is on the minus strand). VCF-style: chr1-56956889-G-A. GRCh37 (hg19) VCF-style: chr1-57422562-G-A.
Other names: C8B, GLN91TER; c.115C>T, p.Gln39Ter (NM_001278543.2); c.85C>T, p.Gln29Ter (NM_001278544.2); c.271C>T (NM_000066.3); short protein forms Q91*, Q39*, Q29*.
Identifiers: ClinVar variation 35594 (VCV000035594.19), dbSNP rs146187042, ClinGen allele CA210869.